The following is an entry in ClinVar:

NM_001256071.3(RNF213):c.1110A>G (p.Ala370=)

Gene: RNF213 (ring finger protein 213; plus strand). Cytogenetic location: 17q25.3.
Variant type: single nucleotide variant.
Coding change: c.1110A>G on transcript NM_001256071.3 (MANE Select); coding-DNA position 1110, A replaced by G.
Protein change: p.Ala370=; no amino-acid change (alanine 370 retained).
Molecular consequence: synonymous variant.
Genome position (GRCh38, 1-based): chr17:80,289,835, A>G. VCF-style: chr17-80289835-A-G. GRCh37 (hg19) VCF-style: chr17-78263634-A-G.
Other names: p.Ala370=; c.1110A>G, p.Ala370= (NM_020954.4).
Identifiers: ClinVar variation 722972 (VCV000722972.11), dbSNP rs141921176, ClinGen allele CA8819439.
Genomic context (GRCh38, chr17:80,289,835, plus strand): 5'-TGCTGTGAAAAACGAGAAGGAGCAAAAAAACCAGGAAGCAGATGTCCAGGAAGTGAAGGC[A>G]AGGTAGGGATGCCCCCGCAGGGGAGCAAAGGAGACCCTGCCTGAGAGCCCGGCACACCCT-3'
Protein context (NP_001243000.2, residues 360-380): NQEADVQEVK[Ala370=]STLSPGGGVT

ClinVar aggregate classification (germline): Benign/Likely benign. Review status: criteria provided, multiple submitters, no conflicts (2 of 4 stars). 5 submissions from 5 submitters: Benign (3); Likely benign (2). Last evaluated 2026-01-05.

Conditions:
Moyamoya disease 2 (MYMY2). Also called: MOYAMOYA DISEASE 2, SUSCEPTIBILITY TO. Identifiers: Orphanet 2573, MedGen C1846689, MONDO:0011784, OMIM 607151.

Allele frequency attached by ClinVar (database versions not stated): gnomAD exomes 0.00039 and 0.00095; ExAC 0.00144; 1000 Genomes Project 0.00339; 1000 Genomes Project 30x 0.00359; gnomAD 0.00405 and 0.00436; TOPMed 0.00426; ESP Exome Variant Server 0.00484.
gnomAD v4.1: 1,211 of 1,608,224 alleles (0.075%); highest among the groups gnomAD compares: African/African-American, 1.4%; 8 homozygotes.

Submissions (5):

Labcorp Genetics (formerly Invitae), Labcorp
Classification: Benign. Last evaluated: 2026-01-05. Review status: criteria provided, single submitter. Criteria: Invitae Variant Classification Sherloc (09022015). Collection method: clinical testing. Allele origin: germline.

Mayo Clinic Laboratories, Mayo Clinic
Classification: Benign. Last evaluated: 2025-01-06. Review status: criteria provided, single submitter. Criteria: ACMG Guidelines, 2015. Collection method: clinical testing. Allele origin: germline. Observed: 2 variant alleles.
Comment: BS1, BS2, BP4, BP7

Blueprint Genetics
Classification: Likely benign. Last evaluated: 2024-11-06. Review status: criteria provided, single submitter. Criteria: ACMG Guidelines, 2015. Collection method: clinical testing. Allele origin: germline.

Fulgent Genetics
Classification: Likely benign for Moyamoya disease 2. Last evaluated: 2021-11-08. Review status: criteria provided, single submitter. Criteria: ACMG Guidelines, 2015. Collection method: clinical testing. Allele origin: unknown.

Breakthrough Genomics
Classification: Benign. Review status: criteria provided, single submitter. Criteria: ACMG Guidelines, 2015. Collection method: not provided. Allele origin: germline. Inheritance: Autosomal dominant inheritance. Affected: yes.